The following is an entry in ClinVar:

NM_001711.6(BGN):c.717C>A (p.Asn239Lys)

Gene: BGN (biglycan; plus strand). Cytogenetic location: Xq28.
Variant type: single nucleotide variant.
Coding change: c.717C>A on transcript NM_001711.6 (MANE Select); coding-DNA position 717, C replaced by A.
Protein change: p.Asn239Lys; replaces asparagine 239 with lysine.
Molecular consequence: missense variant.
Genome position (GRCh38, 1-based): chrX:153,506,870, C>A. VCF-style: chrX-153506870-C-A. GRCh37 (hg19) VCF-style: chrX-152772328-C-A.
Other names: short protein forms N239K.
Identifiers: ClinVar variation 3824236 (VCV003824236.1).

ClinVar aggregate classification (germline): Uncertain significance (1 of 4 stars; one submission).

Conditions:
Cardiovascular phenotype. Identifiers: MedGen CN230736.

Submission:

Ambry Genetics
Classification: Uncertain significance for Cardiovascular phenotype. Last evaluated: 2024-12-14. Review status: criteria provided, single submitter. Criteria: Ambry Variant Classification Scheme 2023. Collection method: clinical testing. Allele origin: germline.
Comment: The p.N239K variant (also known as c.717C>A), located in coding exon 5 of the BGN gene, results from a C to A substitution at nucleotide position 717. The asparagine at codon 239 is replaced by lysine, an amino acid with similar properties. This amino acid position is conserved. In addition, this alteration is predicted to be tolerated by in silico analysis. Based on the available evidence, the clinical significance of this variant remains unclear.